The following is an entry in ClinVar:

ClinVar aggregate classification (germline): Uncertain significance (1 of 4 stars; one submission).

Submission:

Labcorp Genetics (formerly Invitae), Labcorp
Classification: Uncertain significance. Last evaluated: 2022-07-19. Review status: criteria provided, single submitter. Criteria: Invitae Variant Classification Sherloc (09022015). Collection method: clinical testing. Allele origin: germline.
Comment: In summary, the available evidence is currently insufficient to determine the role of this variant in disease. Therefore, it has been classified as a Variant of Uncertain Significance. Algorithms developed to predict the effect of missense changes on protein structure and function output the following: SIFT: "Not Available"; PolyPhen-2: "Not Available"; Align-GVGD: "Not Available". The proline amino acid residue is found in multiple mammalian species, which suggests that this missense change does not adversely affect protein function. ClinVar contains an entry for this variant (Variation ID: 1500786). This variant has not been reported in the literature in individuals affected with TRAPPC9-related conditions. This variant is not present in population databases (gnomAD no frequency). This sequence change replaces alanine, which is neutral and non-polar, with proline, which is neutral and non-polar, at codon 21 of the TRAPPC9 protein (p.Ala21Pro).

NM_031466.8(TRAPPC9):c.-234G>C

Gene: TRAPPC9 (trafficking protein particle complex subunit 9; minus strand). Cytogenetic location: 8q24.3.
Variant type: single nucleotide variant.
Coding change: c.-234G>C on transcript NM_031466.8; 234 bases upstream of the start codon, G replaced by C.
Molecular consequence: 5 prime UTR variant.
Genome position (GRCh38, 1-based): chr8:140,458,504, C>G on the plus strand (G>C on the coding strand, the complement: TRAPPC9 is on the minus strand). VCF-style: chr8-140458504-C-G. GRCh37 (hg19) VCF-style: chr8-141468603-C-G.
Identifiers: ClinVar variation 1500786 (VCV001500786.7), dbSNP rs1021914325, ClinGen allele CA186541043.
Genomic context (GRCh38, chr8:140,458,504, plus strand): 5'-CGCGCGCGGCCTGGGAGCGCCTCCAGGATCGCAGGGCCCGGGAGGCACGTGAGGTGCGAG[C>G]CCCAGCCTGGGCCGGCTTCCCCCTGTGTGGCGCGCGGTCTTGATCCCCAGCTGGCACCAT-3'